The following is an entry in ClinVar:

ClinVar aggregate classification (germline): Likely benign. Review status: criteria provided, single submitter (1 of 4 stars). 2 submissions from 2 submitters: Likely benign (1). 1 of the submissions does not count toward it. Last evaluated 2025-09-30.

Conditions:
Immunodeficiency, common variable, 2 (CVID2). Also called: ANTIBODY DEFICIENCY DUE TO TACI DEFECT; HYPOGAMMAGLOBULINEMIA DUE TO TACI DEFICIENCY. Identifiers: Orphanet 1572, MedGen C3150354, MONDO:0009413, OMIM 240500.
TNFRSF13B-related disorder. Also called: TNFRSF13B-related condition.

Allele frequency attached by ClinVar (database versions not stated): gnomAD exomes 0.00001; TOPMed 0.00001; ExAC 0.00002.
gnomAD v4.1: 14 of 1,614,248 alleles (0.00087%); highest among the groups gnomAD compares: East Asian, 0.027%; no homozygotes.

Submissions (2):

Labcorp Genetics (formerly Invitae), Labcorp
Classification: Likely benign for Immunodeficiency, common variable, 2. Last evaluated: 2025-09-30. Review status: criteria provided, single submitter. Criteria: Invitae Variant Classification Sherloc (09022015). Collection method: clinical testing. Allele origin: germline.

PreventionGenetics, part of Exact Sciences
Classification: Likely benign for TNFRSF13B-related condition. Last evaluated: 2023-04-11. Review status: no assertion criteria provided. Collection method: clinical testing. Allele origin: germline. Not counted in ClinVar's aggregate classification.
Comment: This variant is classified as likely benign based on ACMG/AMP sequence variant interpretation guidelines (Richards et al. 2015 PMID: 25741868, with internal and published modifications).

NM_012452.3(TNFRSF13B):c.303A>T (p.Ala101=)

Gene: TNFRSF13B (TNF receptor superfamily member 13B; minus strand). Cytogenetic location: 17p11.2.
Variant type: single nucleotide variant.
Coding change: c.303A>T on transcript NM_012452.3 (MANE Select); coding-DNA position 303, A replaced by T.
Protein change: p.Ala101=; no amino-acid change (alanine 101 retained).
Molecular consequence: synonymous variant.
Genome position (GRCh38, 1-based): chr17:16,948,880, T>A on the plus strand (A>T on the coding strand, the complement: TNFRSF13B is on the minus strand). VCF-style: chr17-16948880-T-A. GRCh37 (hg19) VCF-style: chr17-16852194-T-A.
Identifiers: ClinVar variation 2994681 (VCV002994681.5), dbSNP rs752990010, ClinGen allele CA8414046.